The following is an entry in ClinVar:

NM_002691.4(POLD1):c.749T>A (p.Phe250Tyr)

Gene: POLD1 (DNA polymerase delta 1, catalytic subunit; plus strand). Cytogenetic location: 19q13.33.
Variant type: single nucleotide variant.
Coding change: c.749T>A on transcript NM_002691.4 (MANE Select); coding-DNA position 749, T replaced by A.
Protein change: p.Phe250Tyr; replaces phenylalanine 250 with tyrosine.
Molecular consequence: missense variant. On other transcripts: non-coding transcript variant (1).
Genome position (GRCh38, 1-based): chr19:50,402,364, T>A. VCF-style: chr19-50402364-T-A. GRCh37 (hg19) VCF-style: chr19-50905621-T-A.
Other names: c.749T>A, p.Phe250Tyr (NM_001256849.1, NM_001308632.1); short protein forms F250Y.
Identifiers: ClinVar variation 1718965 (VCV001718965.8), dbSNP rs2513964733, ClinGen allele CA406974644.

ClinVar aggregate classification (germline): Uncertain significance. Review status: criteria provided, multiple submitters, no conflicts (2 of 4 stars). 2 submissions from 2 submitters: Uncertain significance (2). Last evaluated 2022-09-06.

Conditions:
Hereditary cancer-predisposing syndrome. Also called: Neoplastic Syndromes, Hereditary; Tumor predisposition; Hereditary neoplastic syndrome; Hereditary Cancer Syndrome. Identifiers: Orphanet 140162, MedGen C0027672, MeSH D009386, MONDO:0015356.
POLD1-related polyposis and colorectal cancer syndrome (CRCS10). Also called: COLORECTAL CANCER, SUSCEPTIBILITY TO, ON CHROMOSOME 19q; Colorectal cancer 10; Colorectal cancer, susceptibility to, 10. Identifiers: Orphanet 220460, MedGen C2675481, MONDO:0012953, OMIM 612591.

Submissions (2):

Labcorp Genetics (formerly Invitae), Labcorp
Classification: Uncertain significance for POLD1-related polyposis and colorectal cancer syndrome. Last evaluated: 2022-09-06. Review status: criteria provided, single submitter. Criteria: Invitae Variant Classification Sherloc (09022015). Collection method: clinical testing. Allele origin: germline.
Comment: In summary, the available evidence is currently insufficient to determine the role of this variant in disease. Therefore, it has been classified as a Variant of Uncertain Significance. Algorithms developed to predict the effect of missense changes on protein structure and function are either unavailable or do not agree on the potential impact of this missense change (SIFT: "Tolerated"; PolyPhen-2: "Possibly Damaging"; Align-GVGD: "Class C0"). This variant has not been reported in the literature in individuals affected with POLD1-related conditions. This variant is not present in population databases (gnomAD no frequency). This sequence change replaces phenylalanine, which is neutral and non-polar, with tyrosine, which is neutral and polar, at codon 250 of the POLD1 protein (p.Phe250Tyr).

Ambry Genetics
Classification: Uncertain significance for Hereditary cancer-predisposing syndrome. Last evaluated: 2021-12-20. Review status: criteria provided, single submitter. Criteria: Ambry Variant Classification Scheme 2023. Collection method: clinical testing. Allele origin: germline.
Comment: The p.F250Y variant (also known as c.749T>A), located in coding exon 5 of the POLD1 gene, results from a T to A substitution at nucleotide position 749. The phenylalanine at codon 250 is replaced by tyrosine, an amino acid with highly similar properties. This amino acid position is conserved. In addition, this alteration is predicted to be tolerated by in silico analysis. Since supporting evidence is limited at this time, the clinical significance of this alteration remains unclear.